The following is an entry in ClinVar:

NM_000081.4(LYST):c.1057T>G (p.Leu353Val)

Gene: LYST (lysosomal trafficking regulator; minus strand). Cytogenetic location: 1q42.3.
Variant type: single nucleotide variant.
Coding change: c.1057T>G on transcript NM_000081.4 (MANE Select); coding-DNA position 1057, T replaced by G.
Protein change: p.Leu353Val; replaces leucine 353 with valine.
Molecular consequence: missense variant.
Genome position (GRCh38, 1-based): chr1:235,809,761, A>C on the plus strand (T>G on the coding strand, the complement: LYST is on the minus strand). VCF-style: chr1-235809761-A-C. GRCh37 (hg19) VCF-style: chr1-235973061-A-C.
Other names: c.1057T>G, p.Leu353Val (NM_001301365.1); short protein forms L353V.
Identifiers: ClinVar variation 2109813 (VCV002109813.4), dbSNP rs2527121080, ClinGen allele CA344963256.
Genomic context (GRCh38, chr1:235,809,761, plus strand): 5'-GGTCAGGCTGCTTTTCTAGGCATATTCTAATTTTTAAAGCTGCTCTAAGCAATTCAGTTA[A>C]ATTTTTCCTAAGATTTTCTGGCATCATCTCTGCAGTACTAACATCTACTGACAGAAGATG-3'
Protein context (NP_000072.2, residues 343-363): EMMPENLRKN[Leu353Val]TELLRAALKI

ClinVar aggregate classification (germline): Uncertain significance (1 of 4 stars; one submission).

Conditions:
Chédiak-Higashi syndrome (CHS). Also called: Chediak-Higashi Syndrome. Identifiers: Orphanet 167, MedGen C0007965, MONDO:0008963, OMIM 214500.

Submission:

Labcorp Genetics (formerly Invitae), Labcorp
Classification: Uncertain significance for Chédiak-Higashi syndrome. Last evaluated: 2024-04-29. Review status: criteria provided, single submitter. Criteria: Invitae Variant Classification Sherloc (09022015). Collection method: clinical testing. Allele origin: germline.
Comment: This sequence change replaces leucine, which is neutral and non-polar, with valine, which is neutral and non-polar, at codon 353 of the LYST protein (p.Leu353Val). This variant is not present in population databases (gnomAD no frequency). This variant has not been reported in the literature in individuals affected with LYST-related conditions. ClinVar contains an entry for this variant (Variation ID: 2109813). Advanced modeling of protein sequence and biophysical properties (such as structural, functional, and spatial information, amino acid conservation, physicochemical variation, residue mobility, and thermodynamic stability) performed at Invitae indicates that this missense variant is not expected to disrupt LYST protein function with a negative predictive value of 80%. In summary, the available evidence is currently insufficient to determine the role of this variant in disease. Therefore, it has been classified as a Variant of Uncertain Significance.